The following is an entry in ClinVar:

NM_138694.4(PKHD1):c.689C>T (p.Ser230Leu)

Gene: PKHD1 (PKHD1 ciliary IPT domain containing fibrocystin/polyductin; minus strand). Cytogenetic location: 6p12.2.
Variant type: single nucleotide variant.
Coding change: c.689C>T on transcript NM_138694.4 (MANE Select); coding-DNA position 689, C replaced by T.
Protein change: p.Ser230Leu; replaces serine 230 with leucine.
Molecular consequence: missense variant.
Genome position (GRCh38, 1-based): chr6:52,070,424, G>A on the plus strand (C>T on the coding strand, the complement: PKHD1 is on the minus strand). VCF-style: chr6-52070424-G-A. GRCh37 (hg19) VCF-style: chr6-51935222-G-A.
Other names: c.689C>T, p.Ser230Leu (NM_170724.3); c.689C>T (NM_138694.3); short protein forms S230L.
Identifiers: ClinVar variation 3594029 (VCV003594029.2).

ClinVar aggregate classification (germline): Uncertain significance. Review status: criteria provided, multiple submitters, no conflicts (2 of 4 stars). 2 submissions from 2 submitters: Uncertain significance (2). Last evaluated 2024-11-03.

Conditions:
PKHD1-related disorder. Also called: PKHD1-related condition.
Polycystic kidney disease 4 (PKD4). Also called: POLYCYSTIC KIDNEY DISEASE 4 WITH OR WITHOUT POLYCYSTIC LIVER DISEASE; PKD3; POLYCYSTIC KIDNEY AND HEPATIC DISEASE 1; POLYCYSTIC KIDNEY DISEASE, INFANTILE, TYPE I; Autosomal Recessive Polycystic Kidney Disease – PKHD1. Identifiers: MedGen C4540575, MONDO:0033004, OMIM 263200.

gnomAD v4.1: 13 of 1,609,616 alleles (0.00081%); highest among the groups gnomAD compares: African/African-American, 0.016%; no homozygotes.

Submissions (2):

PreventionGenetics, part of Exact Sciences
Classification: Uncertain significance for PKHD1-related condition. Last evaluated: 2024-11-03. Review status: criteria provided, single submitter. Criteria: ACMG Guidelines, 2015. Collection method: clinical testing. Allele origin: germline.
Comment: The PKHD1 c.689C>T variant is predicted to result in the amino acid substitution p.Ser230Leu. To our knowledge, this variant has not been reported in the literature. This variant is reported in 0.012% of alleles in individuals of African descent in gnomAD. At this time, the clinical significance of this variant is uncertain due to the absence of conclusive functional and genetic evidence.

Fulgent Genetics
Classification: Uncertain significance for Polycystic kidney disease 4. Last evaluated: 2024-04-02. Review status: criteria provided, single submitter. Criteria: ACMG Guidelines, 2015. Collection method: clinical testing. Allele origin: germline.